The following is an entry in ClinVar:

ClinVar aggregate classification (germline): Uncertain significance. Review status: criteria provided, multiple submitters, no conflicts (2 of 4 stars). 2 submissions from 2 submitters: Uncertain significance (2). Last evaluated 2026-08-01.

Allele frequency attached by ClinVar (database versions not stated): ExAC 0.00003; gnomAD 0.00004; gnomAD exomes 0.00004; TOPMed 0.00005.
gnomAD v4.1: 63 of 1,613,096 alleles (0.0039%); highest among the groups gnomAD compares: Admixed American, 0.022%; no homozygotes.

Submissions (2):

CeGaT Center for Human Genetics Tuebingen
Classification: Uncertain significance. Last evaluated: 2026-08-01. Review status: criteria provided, single submitter. Criteria: CeGaT Center For Human Genetics Tuebingen Variant Classification Criteria Version 2. Collection method: clinical testing. Allele origin: germline. Affected: yes. Observed: 1 variant allele.
Comment: PCLO: PM2

Labcorp Genetics (formerly Invitae), Labcorp
Classification: Uncertain significance. Last evaluated: 2022-06-04. Review status: criteria provided, single submitter. Criteria: Invitae Variant Classification Sherloc (09022015). Collection method: clinical testing. Allele origin: germline.
Comment: This sequence change replaces alanine, which is neutral and non-polar, with valine, which is neutral and non-polar, at codon 4110 of the PCLO protein (p.Ala4110Val). This variant is present in population databases (rs763138562, gnomAD 0.02%). This variant has not been reported in the literature in individuals affected with PCLO-related conditions. ClinVar contains an entry for this variant (Variation ID: 1483538). Algorithms developed to predict the effect of missense changes on protein structure and function are either unavailable or do not agree on the potential impact of this missense change (SIFT: "Deleterious"; PolyPhen-2: "Not Available"; Align-GVGD: "Class C0"). Algorithms developed to predict the effect of sequence changes on RNA splicing suggest that this variant may create or strengthen a splice site. In summary, the available evidence is currently insufficient to determine the role of this variant in disease. Therefore, it has been classified as a Variant of Uncertain Significance.

NM_033026.6(PCLO):c.12329C>T (p.Ala4110Val)

Gene: PCLO (piccolo presynaptic cytomatrix protein; minus strand). Cytogenetic location: 7q21.11.
Variant type: single nucleotide variant.
Coding change: c.12329C>T on transcript NM_033026.6 (MANE Select); coding-DNA position 12329, C replaced by T.
Protein change: p.Ala4110Val; replaces alanine 4110 with valine.
Molecular consequence: missense variant.
Genome position (GRCh38, 1-based): chr7:82,915,657, G>A on the plus strand (C>T on the coding strand, the complement: PCLO is on the minus strand). VCF-style: chr7-82915657-G-A. GRCh37 (hg19) VCF-style: chr7-82544973-G-A.
Other names: c.12329C>T, p.Ala4110Val (NM_014510.3); short protein forms A4110V.
Identifiers: ClinVar variation 1483538 (VCV001483538.4), dbSNP rs763138562, ClinGen allele CA4319392.